The following is an entry in ClinVar:

NM_000138.5(FBN1):c.2216G>A (p.Cys739Tyr)

Gene: FBN1 (fibrillin 1; minus strand). Cytogenetic location: 15q21.1.
Variant type: single nucleotide variant.
Coding change: c.2216G>A on transcript NM_000138.5 (MANE Select); coding-DNA position 2216, G replaced by A.
Protein change: p.Cys739Tyr; replaces cysteine 739 with tyrosine.
Molecular consequence: missense variant.
Genome position (GRCh38, 1-based): chr15:48,497,343, C>T on the plus strand (G>A on the coding strand, the complement: FBN1 is on the minus strand). VCF-style: chr15-48497343-C-T. GRCh37 (hg19) VCF-style: chr15-48789540-C-T.
Other names: short protein forms C739Y.
Identifiers: ClinVar variation 520498 (VCV000520498.5), dbSNP rs1555399378, ClinGen allele CA392335750.

ClinVar aggregate classification (germline): Pathogenic. Review status: criteria provided, multiple submitters, no conflicts (2 of 4 stars). 4 submissions from 4 submitters: Pathogenic (3). 1 of the submissions does not count toward it. Last evaluated 2024-07-30.

Conditions:
Familial thoracic aortic aneurysm and aortic dissection (TAAD). Also called: Thoracic aortic aneurysms and dissections. Identifiers: Orphanet 91387, MedGen C4707243, MONDO:0019625.
Marfan syndrome (MFS). Also called: Marfan syndrome type 1; Marfan syndrome, classic; Marfan's syndrome; FBN1-Related Marfan Syndrome; MARFAN SYNDROME, TYPE I. Identifiers: Orphanet 284963, Orphanet 558, MedGen C0024796, MONDO:0007947, OMIM 154700.

Submissions (4):

Labcorp Genetics (formerly Invitae), Labcorp
Classification: Pathogenic for Marfan syndrome; Familial thoracic aortic aneurysm and aortic dissection. Last evaluated: 2024-07-30. Review status: criteria provided, single submitter. Criteria: Invitae Variant Classification Sherloc (09022015). Collection method: clinical testing. Allele origin: germline.
Comment: This sequence change replaces cysteine, which is neutral and slightly polar, with tyrosine, which is neutral and polar, at codon 739 of the FBN1 protein (p.Cys739Tyr). This variant is not present in population databases (gnomAD no frequency). This missense change has been observed in individuals with FBN1-related conditions (PMID: 26787436, 28855619). ClinVar contains an entry for this variant (Variation ID: 520498). Advanced modeling of protein sequence and biophysical properties (such as structural, functional, and spatial information, amino acid conservation, physicochemical variation, residue mobility, and thermodynamic stability) performed at Invitae indicates that this missense variant is expected to disrupt FBN1 protein function with a positive predictive value of 95%. This variant affects a cysteine residue in the EGF-like, TGFBP or hybrid motif domains of FBN1. Cysteine residues are believed to be involved in intramolecular disulfide bridges and have been shown to be important for FBN1 protein structure (PMID: 16905551, 19349279). In addition, missense substitutions affecting cysteine residues within these domains are significantly overrepresented among patients with Marfan syndrome (PMID: 16571647, 17701892). For these reasons, this variant has been classified as Pathogenic.

GeneDx
Classification: Pathogenic. Last evaluated: 2022-11-07. Review status: criteria provided, single submitter. Criteria: GeneDx Variant Classification Process June 2021. Collection method: clinical testing. Allele origin: germline. Affected: yes.
Comment: Identified in patients with Marfan syndrome in published literature (Franken et al., 2016; Fang et al., 2017); Not observed at significant frequency in large population cohorts (gnomAD); Affects a cysteine residue within a calcium-binding EGF-like domain of the FBN1 gene, which may affect disulfide bonding and is predicted to alter the structure and function of the protein; cysteine substitutions in the calcium-binding EGF-like domains represent the majority of pathogenic missense changes associated with FBN1-related disorders (Collod-Beroud et al., 2003); In silico analysis supports that this missense variant has a deleterious effect on protein structure/function; This variant is associated with the following publications: (PMID: 26787436, 12938084, 28855619)

Molecular Diagnostic Laboratory for Inherited Cardiovascular Disease, Montreal Heart Institute
Classification: Pathogenic. Last evaluated: 2017-07-03. Review status: criteria provided, single submitter. Criteria: ACMG Guidelines, 2015. Collection method: clinical testing. Allele origin: germline. Affected: yes.

Center for Medical Genetics Ghent, University of Ghent
Classification: Likely pathogenic for Marfan syndrome. Last evaluated: 2017-11-07. Review status: no assertion criteria provided. Collection method: clinical testing. Allele origin: germline. Affected: yes. Not counted in ClinVar's aggregate classification.

Literature cited by the submitters: PubMed 26787436 (cited by Labcorp Genetics (formerly Invitae), Labcorp); PubMed 28855619 (cited by Labcorp Genetics (formerly Invitae), Labcorp); PubMed 16905551 (cited by Labcorp Genetics (formerly Invitae), Labcorp); PubMed 19349279 (cited by Labcorp Genetics (formerly Invitae), Labcorp); PubMed 16571647 (cited by Labcorp Genetics (formerly Invitae), Labcorp); PubMed 17701892 (cited by Labcorp Genetics (formerly Invitae), Labcorp).